The following is an entry in ClinVar:

ClinVar aggregate classification (germline): Uncertain significance (1 of 4 stars; one submission).

Conditions:
Acromesomelic dysplasia 3 (AMD3). Also called: Acromesomelic dysplasia, Demirhan type; CHONDRODYSPLASIA, ACROMESOMELIC, WITH OR WITHOUT GENITAL ANOMALIES. Identifiers: MedGen C4225404, MONDO:0012274, OMIM 609441.
Type A2 brachydactyly (BDA2). Also called: BRACHYMESOPHALANGY II; MOHR-WRIEDT TYPE BRACHYDACTYLY; Brachymesophalangy type 2. Identifiers: Orphanet 93396, MedGen C1832702, MONDO:0007216, OMIM 112600, HP:0009372.

gnomAD v4.1: 2 of 1,614,004 alleles (0.00012%); highest among the groups gnomAD compares: Non-Finnish European, 0.00017%; no homozygotes.

Submission:

Labcorp Genetics (formerly Invitae), Labcorp
Classification: Uncertain significance for Type A2 brachydactyly; Acromesomelic dysplasia 3. Last evaluated: 2025-10-21. Review status: criteria provided, single submitter. Criteria: Invitae Variant Classification Sherloc (09022015). Collection method: clinical testing. Allele origin: germline.
Comment: This sequence change replaces isoleucine, which is neutral and non-polar, with valine, which is neutral and non-polar, at codon 358 of the BMPR1B protein (p.Ile358Val). This variant is not present in population databases (gnomAD no frequency). This variant has not been reported in the literature in individuals affected with BMPR1B-related conditions. Invitae Evidence Modeling of protein sequence and biophysical properties (such as structural, functional, and spatial information, amino acid conservation, physicochemical variation, residue mobility, and thermodynamic stability) indicates that this missense variant is not expected to disrupt BMPR1B protein function with a negative predictive value of 80%. In summary, the available evidence is currently insufficient to determine the role of this variant in disease. Therefore, it has been classified as a Variant of Uncertain Significance.

NM_001203.3(BMPR1B):c.1072A>G (p.Ile358Val)

Gene: BMPR1B (bone morphogenetic protein receptor type 1B; plus strand). Cytogenetic location: 4q22.3.
Variant type: single nucleotide variant.
Coding change: c.1072A>G on transcript NM_001203.3 (MANE Select); coding-DNA position 1072, A replaced by G.
Protein change: p.Ile358Val; replaces isoleucine 358 with valine.
Molecular consequence: missense variant.
Genome position (GRCh38, 1-based): chr4:95,131,508, A>G. VCF-style: chr4-95131508-A-G. GRCh37 (hg19) VCF-style: chr4-96052659-A-G.
Other names: c.1072A>G, p.Ile358Val (NM_001256792.2, NM_001256794.1); c.1162A>G, p.Ile388Val (NM_001256793.2); short protein forms I358V, I388V.
Identifiers: ClinVar variation 4789807 (VCV004789807.1).